The following is an entry in ClinVar:

ClinVar aggregate classification (germline): Uncertain significance (1 of 4 stars; one submission).

Submission:

Labcorp Genetics (formerly Invitae), Labcorp
Classification: Uncertain significance. Last evaluated: 2023-07-03. Review status: criteria provided, single submitter. Criteria: Invitae Variant Classification Sherloc (09022015). Collection method: clinical testing. Allele origin: germline.
Comment: In summary, the available evidence is currently insufficient to determine the role of this variant in disease. Therefore, it has been classified as a Variant of Uncertain Significance. Variants that disrupt the consensus splice site are a relatively common cause of aberrant splicing (PMID: 17576681, 9536098). ClinVar contains an entry for this variant (Variation ID: 2105656). This variant has not been reported in the literature in individuals affected with IL18BP-related conditions. This variant is not present in population databases (gnomAD no frequency). This sequence change falls in intron 4 of the IL18BP gene. It does not directly change the encoded amino acid sequence of the IL18BP protein. It affects a nucleotide within the consensus splice site.

Literature cited by the submitters: PubMed 17576681; PubMed 9536098.

NM_001039660.2(IL18BP):c.507+6G>A

Gene: IL18BP (interleukin 18 binding protein; plus strand). Cytogenetic location: 11q13.4.
Variant type: single nucleotide variant.
Coding change: c.507+6G>A on transcript NM_001039660.2 (MANE Select); 6 bases into the intron after coding-DNA position 507, G replaced by A.
Molecular consequence: intron variant. On other transcripts: synonymous variant (1).
Genome position (GRCh38, 1-based): chr11:72,001,558, G>A. VCF-style: chr11-72001558-G-A. GRCh37 (hg19) VCF-style: chr11-71712604-G-A.
Other names: c.513G>A, p.Arg171= (NM_005699.3); c.507+6G>A (NM_001039659.2, NM_173042.2, NM_001145057.1); c.379+134G>A (NM_173044.3); c.236-226G>A (NM_001145055.1).
Identifiers: ClinVar variation 2105656 (VCV002105656.4), dbSNP rs2495863021, ClinGen allele CA2580084838.
Genomic context (GRCh38, chr11:72,001,558, plus strand): 5'-GCTCGTGGACCCTGAACAGGTTGTCCAGCGTCACGTCGTCCTGGCCCAGCTCTGGGTGAG[G>A]AGCCCAAGGAGAGGCCTCCAGGAACAGGAGGAGCTCTGCTTCCATATGTGGGGAGGAAAG-3'